The following is an entry in ClinVar:

NM_001378615.1(CC2D2A):c.1879C>T (p.Arg627Trp)

Genes: CC2D2A (coiled-coil and C2 domain containing 2A; plus strand), FBXL5 (F-box and leucine rich repeat protein 5; minus strand). Cytogenetic location: 4p15.32.
Variant type: single nucleotide variant.
Coding change: c.1879C>T on transcript NM_001378615.1 (MANE Select); coding-DNA position 1879, C replaced by T.
Protein change: p.Arg627Trp; replaces arginine 627 with tryptophan.
Molecular consequence: missense variant.
Genome position (GRCh38, 1-based): chr4:15,538,013, C>T. VCF-style: chr4-15538013-C-T. GRCh37 (hg19) VCF-style: chr4-15539636-C-T.
Other names: c.1879C>T, p.Arg627Trp (NM_001080522.2); c.1732C>T, p.Arg578Trp (NM_001378617.1); short protein forms R578W, R627W.
Identifiers: ClinVar variation 2026532 (VCV002026532.2), dbSNP rs778295396, ClinGen allele CA2863788.
Genomic context (GRCh38, chr4:15,538,013, plus strand): 5'-ATTGCAGAGCCGTATCCCGAGGAGGACCTTGTGAAGCCCAGCCCTCCAGAGCCCACTGAT[C>T]GGGCAGTGATAGAGCAGGAGGTGAGGGAGAGAGCAGCCCAGAGCAGGAGGAGGCCTTGGG-3'
Protein context (NP_001365544.1, residues 617-637): VKPSPPEPTD[Arg627Trp]AVIEQEVRER

ClinVar aggregate classification (germline): Uncertain significance. Review status: criteria provided, multiple submitters, no conflicts (2 of 4 stars). 2 submissions from 2 submitters: Uncertain significance (2). Last evaluated 2024-02-08.

Conditions:
COACH syndrome 2. Identifiers: MedGen C5436837, MONDO:0030859, OMIM 619111.
Meckel syndrome, type 6. Identifiers: Orphanet 564, MedGen C2676790, MONDO:0012848, OMIM 612284.
Joubert syndrome 9 (JBTS9). Identifiers: Orphanet 2318, MedGen C2676788, MONDO:0012849, OMIM 612285.
Retinitis pigmentosa 93. Identifiers: MedGen C5676970, MONDO:0030797, OMIM 619845.
Joubert syndrome. Also called: JOUBERT-BOLTSHAUSER SYNDROME; Familial aplasia of the vermis. Identifiers: Orphanet 475, MedGen C5979921, MONDO:0018772.
Meckel-Gruber syndrome. Also called: DYSENCEPHALIA SPLANCHNOCYSTICA; GRUBER SYNDROME; Dysencephalia splachnocystica. Identifiers: Orphanet 564, MedGen C0265215, MONDO:0018921.

Allele frequency attached by ClinVar (database versions not stated): gnomAD 0.00001; gnomAD exomes 0.00001; ExAC 0.00004.

Submissions (2):

Fulgent Genetics
Classification: Uncertain significance for Meckel syndrome, type 6; Joubert syndrome 9; COACH syndrome 2; Retinitis pigmentosa 93. Last evaluated: 2024-02-08. Review status: criteria provided, single submitter. Criteria: ACMG Guidelines, 2015. Collection method: clinical testing. Allele origin: germline.

Labcorp Genetics (formerly Invitae), Labcorp
Classification: Uncertain significance for Joubert syndrome; Meckel-Gruber syndrome. Last evaluated: 2022-03-12. Review status: criteria provided, single submitter. Criteria: Invitae Variant Classification Sherloc (09022015). Collection method: clinical testing. Allele origin: germline.
Comment: This sequence change replaces arginine, which is basic and polar, with tryptophan, which is neutral and slightly polar, at codon 627 of the CC2D2A protein (p.Arg627Trp). This variant is present in population databases (rs778295396, gnomAD 0.01%). This variant has not been reported in the literature in individuals affected with CC2D2A-related conditions. Algorithms developed to predict the effect of missense changes on protein structure and function are either unavailable or do not agree on the potential impact of this missense change (SIFT: "Tolerated"; PolyPhen-2: "Possibly Damaging"; Align-GVGD: "Class C0"). In summary, the available evidence is currently insufficient to determine the role of this variant in disease. Therefore, it has been classified as a Variant of Uncertain Significance.